The following is an entry in ClinVar:

NM_001276270.2(MBD4):c.330dup (p.Ile111fs)

Gene: MBD4 (methyl-CpG binding domain 4, DNA glycosylase; minus strand). Cytogenetic location: 3q21.3.
Variant type: Duplication.
Coding change: c.330dup on transcript NM_001276270.2 (MANE Select); coding-DNA position 330, one base duplicated (T; older notation c.330dupT).
Protein change: p.Ile111fs; shifts the reading frame from isoleucine 111.
Molecular consequence: frameshift variant. On other transcripts: intron variant (1).
Genome position (GRCh38, 1-based): chr3:129,437,725, A duplicated on the plus strand (T on the coding strand, the reverse complement: MBD4 is on the minus strand); the first of 3 consecutive A bases (chr3:129,437,725-129,437,727); duplicating any one gives the same sequence. VCF-style (leftmost placement, unchanged base first): chr3-129437724-T-TA. GRCh37 (hg19) VCF-style: chr3-129156567-T-TA.
Other names: c.330dup, p.Ile111fs (NM_001276271.2, NM_001276272.2, NM_003925.3); c.247+83dup (NM_001276273.2); c.330dupT (NM_001276270.2); short protein forms I111fs.
Identifiers: ClinVar variation 4052164 (VCV004052164.1).

ClinVar aggregate classification (germline): Pathogenic (1 of 4 stars; one submission).

Conditions:
Inborn genetic diseases. Identifiers: MedGen C0950123, MeSH D030342.

Submission:

Ambry Genetics
Classification: Pathogenic for Inborn genetic diseases. Last evaluated: 2025-03-27. Review status: criteria provided, single submitter. Criteria: Ambry Variant Classification Scheme 2023. Collection method: clinical testing. Allele origin: germline.
Comment: The c.330dupT pathogenic mutation, located in coding exon 2 of the MBD4 gene, results from a duplication of T at nucleotide position 330, causing a translational frameshift with a predicted alternate stop codon (p.I111Yfs*16). This variant is considered to be rare based on population cohorts in the Genome Aggregation Database (gnomAD). This alteration is expected to result in loss of function by premature protein truncation or nonsense-mediated mRNA decay. As such, this alteration is interpreted as a disease-causing mutation.